The following is an entry in ClinVar:

NM_000302.4(PLOD1):c.137G>A (p.Arg46His)

Gene: PLOD1 (procollagen-lysine,2-oxoglutarate 5-dioxygenase 1; plus strand). Cytogenetic location: 1p36.22.
Variant type: single nucleotide variant.
Coding change: c.137G>A on transcript NM_000302.4 (MANE Select); coding-DNA position 137, G replaced by A.
Protein change: p.Arg46His; replaces arginine 46 with histidine.
Molecular consequence: missense variant.
Genome position (GRCh38, 1-based): chr1:11,948,036, G>A. VCF-style: chr1-11948036-G-A. GRCh37 (hg19) VCF-style: chr1-12008093-G-A.
Other names: c.278G>A, p.Arg93His (NM_001316320.2); short protein forms R46H, R93H.
Identifiers: ClinVar variation 440169 (VCV000440169.33), dbSNP rs142710681, ClinGen allele CA597800.

ClinVar aggregate classification (germline): Conflicting classifications of pathogenicity. Review status: criteria provided, conflicting classifications (1 of 4 stars). 10 submissions from 10 submitters: Uncertain significance (7); Likely benign (2). 1 of the submissions does not count toward it. Last evaluated 2026-08-14.

Conditions:
PLOD1-related disorder. Also called: PLOD1-related condition.
Familial thoracic aortic aneurysm and aortic dissection (TAAD). Also called: Thoracic aortic aneurysms and dissections. Identifiers: Orphanet 91387, MedGen C4707243, MONDO:0019625.
Ehlers-Danlos syndrome, kyphoscoliotic type 1 (EDSKSCL1). Also called: PLOD1-Related Kyphoscoliotic Ehlers-Danlos Syndrome; EHLERS-DANLOS SYNDROME, TYPE VIA; EHLERS-DANLOS SYNDROME, OCULAR-SCOLIOTIC TYPE; Ehlers-Danlos syndrome, hydroxylysine-deficient. Identifiers: Orphanet 1900, MedGen C0268342, MONDO:0016002, OMIM 225400. Disease mechanism: loss of function.

Allele frequency attached by ClinVar (database versions not stated): gnomAD exomes 0.00010 and 0.00017; 1000 Genomes Project 30x 0.00016; 1000 Genomes Project 0.00020; ExAC 0.00023; ESP Exome Variant Server 0.00069; gnomAD 0.00087 and 0.00105; TOPMed 0.00112.
gnomAD v4.1: 301 of 1,613,714 alleles (0.019%); highest among the groups gnomAD compares: African/African-American, 0.29%; 1 homozygote.

Submissions (10):

GeneDx
Classification: Uncertain significance. Last evaluated: 2026-08-14. Review status: criteria provided, single submitter. Criteria: GeneDx Variant Classification Process June 2021. Collection method: clinical testing. Allele origin: germline.
Comment: In silico analysis supports that this missense variant has a deleterious effect on protein structure/function; Has not been previously published as pathogenic or benign to our knowledge

Women's Health and Genetics/Laboratory Corporation of America, LabCorp
Classification: Likely benign. Last evaluated: 2026-01-26. Review status: criteria provided, single submitter. Criteria: LabCorp Variant Classification Summary - May 2015. Collection method: clinical testing. Allele origin: germline.
Comment: Variant summary: PLOD1 c.137G>A (p.Arg46His) results in a non-conservative amino acid change in the encoded protein sequence. Algorithms developed to predict the effect of missense changes on protein structure and function are either unavailable or do not agree on the potential impact of this missense change. The variant allele was found at a frequency of 0.00019 in 1613714 control chromosomes, predominantly at a frequency of 0.0029 within the African or African-American subpopulation in the gnomAD v4 database. The observed variant frequency within African or African-American control individuals in the gnomAD database exceeds the estimated maximal expected allele frequency for disease-causing variants in PLOD1. To our knowledge, no occurrence of c.137G>A in individuals affected with PLOD1-related conditions and no experimental evidence demonstrating its impact on protein function have been reported. ClinVar contains an entry for this variant (Variation ID: 440169). Based on the evidence outlined above, the variant was classified as likely benign.

Labcorp Genetics (formerly Invitae), Labcorp
Classification: Likely benign for Ehlers-Danlos syndrome, kyphoscoliotic type 1. Last evaluated: 2026-01-21. Review status: criteria provided, single submitter. Criteria: Invitae Variant Classification Sherloc (09022015). Collection method: clinical testing. Allele origin: germline.

Ambry Genetics
Classification: Uncertain significance for Familial thoracic aortic aneurysm and aortic dissection. Last evaluated: 2024-11-27. Review status: criteria provided, single submitter. Criteria: Ambry Variant Classification Scheme 2023. Collection method: clinical testing. Allele origin: germline.
Comment: The p.R46H variant (also known as c.137G>A), located in coding exon 2 of the PLOD1 gene, results from a G to A substitution at nucleotide position 137. The arginine at codon 46 is replaced by histidine, an amino acid with highly similar properties. This amino acid position is highly conserved in available vertebrate species. In addition, the in silico prediction for this alteration is inconclusive. Since supporting evidence is limited at this time, the clinical significance of this alteration remains unclear.

Blueprint Genetics
Classification: Uncertain significance. Last evaluated: 2024-06-07. Review status: criteria provided, single submitter. Criteria: ACMG Guidelines, 2015. Collection method: clinical testing. Allele origin: germline.

Mayo Clinic Laboratories, Mayo Clinic
Classification: Uncertain significance. Last evaluated: 2023-06-22. Review status: criteria provided, single submitter. Criteria: ACMG Guidelines, 2015. Collection method: clinical testing. Allele origin: germline. Observed: 1 variant allele.
Comment: BS1

New York Genome Center
Classification: Uncertain significance for Ehlers-Danlos syndrome, kyphoscoliotic type 1. Last evaluated: 2023-06-16. Review status: criteria provided, single submitter. Criteria: NYGC Assertion Criteria 2020. Collection method: clinical testing. Allele origin: germline. Observed: 1 heterozygote.

Illumina Laboratory Services, Illumina
Classification: Uncertain significance for Ehlers-Danlos syndrome, kyphoscoliotic type 1. Last evaluated: 2018-01-13. Review status: criteria provided, single submitter. Criteria: ICSL Variant Classification Criteria 13 December 2019. Collection method: clinical testing. Allele origin: germline.

ARUP Laboratories, Molecular Genetics and Genomics, ARUP Laboratories
Classification: Uncertain significance. Last evaluated: 2017-05-03. Review status: criteria provided, single submitter. Criteria: ARUP Molecular Germline Variant Investigation Process. Collection method: clinical testing. Allele origin: germline.
Comment: The p.Arg46His variant (rs142710681) has not been reported in the medical literature, is not listed in gene-specific variant databases, nor has it been previously identified in our laboratory. It is listed in the Genome Aggregation Database (gnomAD) browser with a frequency in Africans of 0.25% (identified in 60 out of 24,034 chromosomes). The arginine at codon 46 is highly conserved considering 12 species up to Fruitfly (Alamut software v2.8.1), and computational analyses suggest this variant has a significant effect on PLOD1 protein structure/function (SIFT: damaging, PolyPhen2: possibly damaging, and Mutation Taster: disease causing). However, based on the available information, the clinical significance of the p.Arg46His variant cannot be determined with certainty.

PreventionGenetics, part of Exact Sciences
Classification: Likely benign for PLOD1-related condition. Last evaluated: 2020-01-23. Review status: no assertion criteria provided. Collection method: clinical testing. Allele origin: germline. Not counted in ClinVar's aggregate classification.
Comment: This variant is classified as likely benign based on ACMG/AMP sequence variant interpretation guidelines (Richards et al. 2015 PMID: 25741868, with internal and published modifications).